The following is an entry in ClinVar:

ClinVar aggregate classification (germline): Uncertain significance (1 of 4 stars; one submission).

Conditions:
Duchenne muscular dystrophy (DMD). Also called: MUSCULAR DYSTROPHY, PSEUDOHYPERTROPHIC PROGRESSIVE, DUCHENNE TYPE; Duchenne Muscular Dystrophy (DMD). Identifiers: Orphanet 98896, MedGen C0013264, MONDO:0010679, OMIM 310200.

Submission:

Labcorp Genetics (formerly Invitae), Labcorp
Classification: Uncertain significance for Duchenne muscular dystrophy. Last evaluated: 2022-06-15. Review status: criteria provided, single submitter. Criteria: Invitae Variant Classification Sherloc (09022015). Collection method: clinical testing. Allele origin: germline.
Comment: Algorithms developed to predict the effect of missense changes on protein structure and function are either unavailable or do not agree on the potential impact of this missense change (SIFT: "Deleterious"; PolyPhen-2: "Benign"; Align-GVGD: "Class C25"). In summary, the available evidence is currently insufficient to determine the role of this variant in disease. Therefore, it has been classified as a Variant of Uncertain Significance. This missense change has been observed in individual(s) with DMD-related conditions (PMID: 27593222). This sequence change replaces histidine, which is basic and polar, with arginine, which is basic and polar, at codon 3309 of the DMD protein (p.His3309Arg). This variant is not present in population databases (gnomAD no frequency).

Literature cited by the submitters: PubMed 27593222.

NM_004006.3(DMD):c.9926A>G (p.His3309Arg)

Gene: DMD (dystrophin; minus strand). Cytogenetic location: Xp21.2.
Variant type: single nucleotide variant.
Coding change: c.9926A>G on transcript NM_004006.3 (MANE Select); coding-DNA position 9926, A replaced by G.
Protein change: p.His3309Arg; replaces histidine 3309 with arginine.
Molecular consequence: missense variant.
Genome position (GRCh38, 1-based): chrX:31,182,786, T>C on the plus strand (A>G on the coding strand, the complement: DMD is on the minus strand). VCF-style: chrX-31182786-T-C. GRCh37 (hg19) VCF-style: chrX-31200903-T-C.
Other names: c.9902A>G, p.His3301Arg (NM_000109.4); c.9914A>G, p.His3305Arg (NM_004009.3); c.9557A>G, p.His3186Arg (NM_004010.3); c.5903A>G, p.His1968Arg (NM_004011.4); c.5894A>G, p.His1965Arg (NM_004012.4); c.2546A>G, p.His849Arg (NM_004013.3, NM_004020.4, NM_004021.3 and 2 more transcripts); c.1739A>G, p.His580Arg (NM_004014.3); c.722A>G, p.His241Arg (NM_004015.3, NM_004016.3, NM_004017.3 and 2 more transcripts); short protein forms H3309R, H580R, H1968R, H3301R, H3305R, H1965R, H3186R, H849R.
Identifiers: ClinVar variation 2138503 (VCV002138503.3), dbSNP rs398124108, ClinGen allele CA222559.